The following is an entry in ClinVar:

ClinVar aggregate classification (germline): Pathogenic (1 of 4 stars; one submission).

Conditions:
Transcobalamin II deficiency (TCN2D). Also called: Transcolabamin II deficiency; TC II DEFICIENCY; TCN2 DEFICIENCY. Identifiers: Orphanet 859, MedGen C0342701, MONDO:0010149, OMIM 275350.

Submission:

Labcorp Genetics (formerly Invitae), Labcorp
Classification: Pathogenic for Transcobalamin II deficiency. Last evaluated: 2024-03-14. Review status: criteria provided, single submitter. Criteria: Invitae Variant Classification Sherloc (09022015). Collection method: clinical testing. Allele origin: germline.
Comment: This sequence change creates a premature translational stop signal (p.Ala111Argfs*7) in the TCN2 gene. It is expected to result in an absent or disrupted protein product. Loss-of-function variants in TCN2 are known to be pathogenic (PMID: 7980584, 20352340). This variant is not present in population databases (gnomAD no frequency). This premature translational stop signal has been observed in individual(s) with transcobalamin II deficiency (PMID: 19581117). This variant is also known as c.insC110. Algorithms developed to predict the effect of sequence changes on RNA splicing suggest that this variant may disrupt the consensus splice site. For these reasons, this variant has been classified as Pathogenic.

Literature cited by the submitters: PubMed 7980584; PubMed 20352340; PubMed 19581117.

NM_000355.4(TCN2):c.330dup (p.Ala111fs)

Gene: TCN2 (transcobalamin 2; plus strand). Cytogenetic location: 22q12.2.
Variant type: Duplication.
Coding change: c.330dup on transcript NM_000355.4 (MANE Select); coding-DNA position 330, one base duplicated (C; older notation c.330dupC).
Protein change: p.Ala111fs; shifts the reading frame from alanine 111.
Molecular consequence: frameshift variant.
Genome position (GRCh38, 1-based): chr22:30,612,945, C duplicated. VCF-style (leftmost placement, unchanged base first): chr22-30612944-T-TC. GRCh37 (hg19) VCF-style: chr22-31008931-T-TC.
Other names: c.330dup, p.Ala111fs (NM_001184726.2); short protein forms A111fs.
Identifiers: ClinVar variation 3723958 (VCV003723958.2).